The following is an entry in ClinVar:

ClinVar aggregate classification (germline): Benign/Likely benign. Review status: criteria provided, multiple submitters, no conflicts (2 of 4 stars). 4 submissions from 4 submitters: Benign (2); Likely benign (2). Last evaluated 2026-07-01.

Allele frequency attached by ClinVar (database versions not stated): 1000 Genomes Project 30x 0.00016; 1000 Genomes Project 0.00020; ESP Exome Variant Server 0.00024; TOPMed 0.00035; gnomAD exomes 0.00107 and 0.00065; ExAC 0.00108; gnomAD 0.00084 and 0.00088.
gnomAD v4.1: 1,063 of 1,603,168 alleles (0.066%); highest among the groups gnomAD compares: Non-Finnish European, 0.048%; 3 homozygotes.

Submissions (4):

CeGaT Center for Human Genetics Tuebingen
Classification: Likely benign. Last evaluated: 2026-07-01. Review status: criteria provided, single submitter. Criteria: CeGaT Center For Human Genetics Tuebingen Variant Classification Criteria Version 2. Collection method: clinical testing. Allele origin: germline. Affected: yes. Observed: 1 variant allele.
Comment: HTT: BP4, BP7

Blueprint Genetics
Classification: Likely benign. Last evaluated: 2024-11-25. Review status: criteria provided, single submitter. Criteria: ACMG Guidelines, 2015. Collection method: clinical testing. Allele origin: germline.

Labcorp Genetics (formerly Invitae), Labcorp
Classification: Benign. Last evaluated: 2024-08-13. Review status: criteria provided, single submitter. Criteria: Invitae Variant Classification Sherloc (09022015). Collection method: clinical testing. Allele origin: germline.

Breakthrough Genomics
Classification: Benign. Review status: criteria provided, single submitter. Criteria: ACMG Guidelines, 2015. Collection method: not provided. Allele origin: germline. Inheritance: Autosomal recessive inheritance. Affected: yes.

NM_001388492.1(HTT):c.7497C>T (p.Asn2499=)

Gene: HTT (huntingtin; plus strand). Cytogenetic location: 4p16.3.
Variant type: single nucleotide variant.
Coding change: c.7497C>T on transcript NM_001388492.1 (MANE Select); coding-DNA position 7497, C replaced by T.
Protein change: p.Asn2499=; no amino-acid change (asparagine 2499 retained).
Molecular consequence: synonymous variant.
Genome position (GRCh38, 1-based): chr4:3,223,432, C>T. VCF-style: chr4-3223432-C-T. GRCh37 (hg19) VCF-style: chr4-3225159-C-T.
Other names: c.7503C>T, p.Asn2501= (NM_002111.8).
Identifiers: ClinVar variation 1539804 (VCV001539804.11), dbSNP rs190850312, ClinGen allele CA2825385.